The following is an entry in ClinVar:

ClinVar aggregate classification (germline): Uncertain significance (1 of 4 stars; one submission).

Conditions:
Familial melanoma. Also called: Hereditary melanoma; Hereditary cutaneous melanoma. Identifiers: Orphanet 618, MedGen C1512419, MONDO:0018961.

Submission:

Labcorp Genetics (formerly Invitae), Labcorp
Classification: Uncertain significance for Familial melanoma. Last evaluated: 2021-10-05. Review status: criteria provided, single submitter. Criteria: Invitae Variant Classification Sherloc (09022015). Collection method: clinical testing. Allele origin: germline.
Comment: In summary, the available evidence is currently insufficient to determine the role of this variant in disease. Therefore, it has been classified as a Variant of Uncertain Significance. Algorithms developed to predict the effect of missense changes on protein structure and function are either unavailable or do not agree on the potential impact of this missense change (SIFT: "Deleterious"; PolyPhen-2: "Probably Damaging"; Align-GVGD: "Class C0"). This variant has not been reported in the literature in individuals affected with CDKN2A (p16INK4a)-related conditions. This variant is not present in population databases (ExAC no frequency). This sequence change replaces arginine with proline at codon 46 of the CDKN2A (p16INK4a) protein (p.Arg46Pro). The arginine residue is moderately conserved and there is a moderate physicochemical difference between arginine and proline.

NM_000077.5(CDKN2A):c.137G>C (p.Arg46Pro)

Gene: CDKN2A (cyclin dependent kinase inhibitor 2A; minus strand). Cytogenetic location: 9p21.3.
Variant type: single nucleotide variant.
Coding change: c.137G>C on transcript NM_000077.5; coding-DNA position 137, G replaced by C.
Protein change: p.Arg46Pro; replaces arginine 46 with proline.
Molecular consequence: missense variant (on NM_000077.6). On other transcripts: intron variant (2).
Genome position (GRCh38, 1-based): chr9:21,974,691, C>G on the plus strand (G>C on the coding strand, the complement: CDKN2A is on the minus strand). VCF-style: chr9-21974691-C-G. GRCh37 (hg19) VCF-style: chr9-21974690-C-G.
Other names: c.137G>C, p.Arg46Pro (NM_000077.6, NM_001195132.2, NM_058197.5); c.-3-3483G>C (NM_001363763.2); c.194-3483G>C (NM_058195.4); short protein forms R46P.
Identifiers: ClinVar variation 532274 (VCV000532274.6), dbSNP rs1554656241, ClinGen allele CA373086496.